The following is an entry in ClinVar:

NM_000053.4(ATP7B):c.3715G>T (p.Val1239Phe)

Gene: ATP7B (ATPase copper transporting beta; minus strand). Cytogenetic location: 13q14.3.
Variant type: single nucleotide variant.
Coding change: c.3715G>T on transcript NM_000053.4 (MANE Select); coding-DNA position 3715, G replaced by T.
Protein change: p.Val1239Phe; replaces valine 1239 with phenylalanine.
Molecular consequence: missense variant. On other transcripts: intron variant (1).
Genome position (GRCh38, 1-based): chr13:51,937,664, C>A on the plus strand (G>T on the coding strand, the complement: ATP7B is on the minus strand). VCF-style: chr13-51937664-C-A. GRCh37 (hg19) VCF-style: chr13-52511800-C-A.
Other names: c.3715G>T (NM_000053.3); c.3094G>T, p.Val1032Phe (NM_001005918.3); c.3382G>T, p.Val1128Phe (NM_001243182.2); c.3481G>T, p.Val1161Phe (NM_001330578.2, NM_001406527.1, NM_001406528.1); c.3463G>T, p.Val1155Phe (NM_001330579.2, NM_001406531.1, NM_001406532.1); c.3715G>T, p.Val1239Phe (NM_001406511.1, NM_001406512.1); c.3709G>T, p.Val1237Phe (NM_001406513.1); c.3682G>T, p.Val1228Phe (NM_001406514.1); and 22 more; short protein forms V1012F, V1023F, V1032F, V1045F, V1075F, V1077F, V1090F, V1096F.
Identifiers: ClinVar variation 3383200 (VCV003383200.3).

ClinVar aggregate classification (germline): Conflicting classifications of pathogenicity. Review status: criteria provided, conflicting classifications (1 of 4 stars). 2 submissions from 2 submitters: Likely pathogenic (1); Uncertain significance (1). Last evaluated 2025-08-26.

Conditions:
Wilson disease (WND). Also called: Wilson's disease. Identifiers: Orphanet 905, MedGen C0019202, MONDO:0010200, OMIM 277900. Disease mechanism: loss of function.

gnomAD v4.1: 2 of 1,614,256 alleles (0.00012%); highest among the groups gnomAD compares: East Asian, 0.0045%; no homozygotes.

Submissions (2):

Natera, Inc.
Classification: Likely pathogenic for Wilson disease. Last evaluated: 2025-08-26. Review status: criteria provided, single submitter. Criteria: Natera Variant Classification Schema (03/2026). Collection method: clinical testing. Allele origin: germline.
Comment: The c.3715G>T variant in ATP7B is a missense variant predicted to cause substitution of valine to phenylalanine at amino acid 1239. This variant is rare in the general population with a frequency below the threshold expected for the associated phenotype(s). This variant has been observed in one or more individuals affected with the associated recessive disease, as either homozygous or compound heterozygous with a second variant (PMID: 35220961, 39093796). Functional studies show that this variant may disrupt protein function (PMID:40661833). Computational prediction algorithms indicate this variant is likely to affect gene or protein function. Given the available evidence, this variant is classified as Likely Pathogenic.

Juno Genomics, Hangzhou Juno Genomics, Inc
Classification: Uncertain significance for Wilson disease. Review status: criteria provided, single submitter. Criteria: ACMG Guidelines, 2015. Collection method: clinical testing. Allele origin: germline. Affected: yes.
Comment: Absent from controls (or at extremely low frequency if recessive) in Genome Aggregation Database, Exome Sequencing Project, 1000 Genomes Project, or Exome Aggregation Consortium.

Literature cited by the submitters: PubMed 35220961 (cited by Natera, Inc.); PubMed 39093796 (cited by Natera, Inc.); PubMed 40661833 (cited by Natera, Inc.).